The following is an entry in ClinVar:

NM_201384.3(PLEC):c.7830G>A (p.Ala2610=)

Gene: PLEC (plectin; minus strand). Cytogenetic location: 8q24.3.
Variant type: single nucleotide variant.
Coding change: c.7830G>A on transcript NM_201384.3 (MANE Select); coding-DNA position 7830, G replaced by A.
Protein change: p.Ala2610=; no amino-acid change (alanine 2610 retained).
Molecular consequence: synonymous variant.
Genome position (GRCh38, 1-based): chr8:143,921,991, C>T on the plus strand (G>A on the coding strand, the complement: PLEC is on the minus strand). VCF-style: chr8-143921991-C-T. GRCh37 (hg19) VCF-style: chr8-144996159-C-T.
Other names: p.Ala2637=; c.7911G>A, p.Ala2637= (NM_000445.5); c.7788G>A, p.Ala2596= (NM_201378.4); c.7764G>A, p.Ala2588= (NM_201379.3); c.8241G>A, p.Ala2747= (NM_201380.4); c.7734G>A, p.Ala2578= (NM_201381.3); c.7830G>A, p.Ala2610= (NM_201382.4); c.7842G>A, p.Ala2614= (NM_201383.3).
Identifiers: ClinVar variation 167506 (VCV000167506.82), dbSNP rs376112916, ClinGen allele CA234634.

ClinVar aggregate classification (germline): Conflicting classifications of pathogenicity. Review status: criteria provided, conflicting classifications (1 of 4 stars). 9 submissions from 9 submitters: Uncertain significance (1); Benign (2); Likely benign (5). 1 of the submissions does not count toward it. Last evaluated 2026-02-27.

Conditions:
PLEC-related disorder. Also called: PLEC-related condition; PLEC-related disorders.
Epidermolysis bullosa simplex, Ogna type (EBS5A). Also called: EPIDERMOLYSIS BULLOSA SIMPLEX 5A, OGNA TYPE; Pidermolysis bullosa simplex 5A, Ogna type. Identifiers: Orphanet 79401, MedGen C0432317, MONDO:0007555, OMIM 131950.
Epidermolysis bullosa simplex 5C, with pyloric atresia (EBS5C). Also called: PLEC-Related Epidermolysis Bullosa with Pyloric Atresia; Epidermolysis bullosa simplex with pyloric atresia; PLEC1-Related Epidermolysis Bullosa with Pyloric Atresia. Identifiers: Orphanet 158684, MedGen C2677349, MONDO:0012807, OMIM 612138.
Autosomal recessive limb-girdle muscular dystrophy type 2Q (LGMDR17). Also called: MUSCULAR DYSTROPHY, LIMB-GIRDLE, AUTOSOMAL RECESSIVE 17. Identifiers: Orphanet 254361, MedGen C3150989, MONDO:0013390, OMIM 613723.
Epidermolysis bullosa simplex 5B, with muscular dystrophy (EBS5B). Also called: EPIDERMOLYSIS BULLOSA SIMPLEX AND LIMB-GIRDLE MUSCULAR DYSTROPHY; Epidermolysis bullosa simplex with muscular dystrophy. Identifiers: Orphanet 257, MedGen C2931072, MONDO:0009181, OMIM 226670.
Epidermolysis bullosa simplex with nail dystrophy (EBS5D). Identifiers: MedGen C4225309, MONDO:0014661, OMIM 616487.

Allele frequency attached by ClinVar (database versions not stated): ExAC 0.00035; 1000 Genomes Project 0.00040; 1000 Genomes Project 30x 0.00062; ESP Exome Variant Server 0.00082; TOPMed 0.00123.
gnomAD v4.1: 388 of 1,598,492 alleles (0.024%); highest among the groups gnomAD compares: African/African-American, 0.29%; no homozygotes.

Submissions (9):

Women's Health and Genetics/Laboratory Corporation of America, LabCorp
Classification: Likely benign. Last evaluated: 2026-02-27. Review status: criteria provided, single submitter. Criteria: LabCorp Variant Classification Summary - May 2015. Collection method: clinical testing. Allele origin: germline.

Labcorp Genetics (formerly Invitae), Labcorp
Classification: Benign for Autosomal recessive limb-girdle muscular dystrophy type 2Q; Epidermolysis bullosa simplex, Ogna type; Epidermolysis bullosa simplex with nail dystrophy; Epidermolysis bullosa simplex 5C, with pyloric atresia; Epidermolysis bullosa simplex 5B, with muscular dystrophy. Last evaluated: 2026-01-11. Review status: criteria provided, single submitter. Criteria: Invitae Variant Classification Sherloc (09022015). Collection method: clinical testing. Allele origin: germline.

Mayo Clinic Laboratories, Mayo Clinic
Classification: Likely benign. Last evaluated: 2025-10-31. Review status: criteria provided, single submitter. Criteria: ACMG Guidelines, 2015. Collection method: clinical testing. Allele origin: germline. Observed: 1 variant allele.
Comment: BS1, BP4, BP7

CeGaT Center for Human Genetics Tuebingen
Classification: Likely benign. Last evaluated: 2023-04-01. Review status: criteria provided, single submitter. Criteria: CeGaT Center For Human Genetics Tuebingen Variant Classification Criteria Version 2. Collection method: clinical testing. Allele origin: germline. Affected: yes. Observed: 1 variant allele.
Comment: PLEC: BP4, BP7

Blueprint Genetics
Classification: Likely benign. Last evaluated: 2022-09-09. Review status: criteria provided, single submitter. Criteria: ACMG Guidelines, 2015. Collection method: clinical testing. Allele origin: germline.

GeneDx
Classification: Likely benign. Last evaluated: 2018-10-11. Review status: criteria provided, single submitter. Criteria: GeneDx Variant Classification Process June 2021. Collection method: clinical testing. Allele origin: germline. Affected: yes.

Athena Diagnostics
Classification: Benign. Last evaluated: 2017-11-01. Review status: criteria provided, single submitter. Criteria: Athena Diagnostics Criteria. Collection method: clinical testing. Allele origin: germline.

Eurofins Ntd Llc (ga)
Classification: Uncertain significance. Last evaluated: 2017-05-03. Review status: criteria provided, single submitter. Criteria: EGL Classification Definitions 2015. Collection method: clinical testing. Allele origin: germline. Observed: 4 variant alleles, 4 heterozygotes.

PreventionGenetics, part of Exact Sciences
Classification: Likely benign for PLEC-related condition. Last evaluated: 2019-04-12. Review status: no assertion criteria provided. Collection method: clinical testing. Allele origin: germline. Not counted in ClinVar's aggregate classification.
Comment: This variant is classified as likely benign based on ACMG/AMP sequence variant interpretation guidelines (Richards et al. 2015 PMID: 25741868, with internal and published modifications).